The following is an entry in ClinVar:

NM_000215.4(JAK3):c.805G>A (p.Gly269Arg)

Gene: JAK3 (Janus kinase 3; minus strand). Cytogenetic location: 19p13.11.
Variant type: single nucleotide variant.
Coding change: c.805G>A on transcript NM_000215.4 (MANE Select); coding-DNA position 805, G replaced by A.
Protein change: p.Gly269Arg; replaces glycine 269 with arginine.
Molecular consequence: missense variant.
Genome position (GRCh38, 1-based): chr19:17,842,372, C>T on the plus strand (G>A on the coding strand, the complement: JAK3 is on the minus strand). VCF-style: chr19-17842372-C-T. GRCh37 (hg19) VCF-style: chr19-17953181-C-T.
Other names: short protein forms G269R.
Identifiers: ClinVar variation 1362499 (VCV001362499.8), dbSNP rs766895335, ClinGen allele CA404772417.

ClinVar aggregate classification (germline): Uncertain significance (1 of 4 stars; one submission).

Conditions:
T-B+ severe combined immunodeficiency due to JAK3 deficiency. Also called: SCID, T CELL-NEGATIVE, B CELL-POSITIVE, NK CELL-NEGATIVE; SCID, autosomal recessive, T-negative/B-positive type. Identifiers: Orphanet 35078, MedGen C1833275, MONDO:0010938, OMIM 600802.

Submission:

Labcorp Genetics (formerly Invitae), Labcorp
Classification: Uncertain significance for T-B+ severe combined immunodeficiency due to JAK3 deficiency. Last evaluated: 2022-06-13. Review status: criteria provided, single submitter. Criteria: Invitae Variant Classification Sherloc (09022015). Collection method: clinical testing. Allele origin: germline.
Comment: In summary, the available evidence is currently insufficient to determine the role of this variant in disease. Therefore, it has been classified as a Variant of Uncertain Significance. Advanced modeling of protein sequence and biophysical properties (such as structural, functional, and spatial information, amino acid conservation, physicochemical variation, residue mobility, and thermodynamic stability) performed at Invitae indicates that this missense variant is not expected to disrupt JAK3 protein function. This variant has not been reported in the literature in individuals affected with JAK3-related conditions. This variant is not present in population databases (gnomAD no frequency). This sequence change replaces glycine, which is neutral and non-polar, with arginine, which is basic and polar, at codon 269 of the JAK3 protein (p.Gly269Arg).